The following is an entry in ClinVar:

NM_004036.5(ADCY3):c.2333C>T (p.Thr778Met)

Gene: ADCY3 (adenylate cyclase 3; minus strand). Cytogenetic location: 2p23.3.
Variant type: single nucleotide variant.
Coding change: c.2333C>T on transcript NM_004036.5 (MANE Select); coding-DNA position 2333, C replaced by T.
Protein change: p.Thr778Met; replaces threonine 778 with methionine.
Molecular consequence: missense variant. On other transcripts: intron variant (1).
Genome position (GRCh38, 1-based): chr2:24,828,001, G>A on the plus strand (C>T on the coding strand, the complement: ADCY3 is on the minus strand). VCF-style: chr2-24828001-G-A. GRCh37 (hg19) VCF-style: chr2-25050870-G-A.
Other names: c.2333C>T, p.Thr778Met (NM_001320613.2, NM_001377132.1); c.2399C>T, p.Thr800Met (NM_001377128.1); c.2195C>T, p.Thr732Met (NM_001377129.1); c.1610C>T, p.Thr537Met (NM_001377131.1); c.2172+2708C>T (NM_001377130.1); short protein forms T537M, T732M, T778M, T800M.
Identifiers: ClinVar variation 3358782 (VCV003358782.2).

ClinVar aggregate classification (germline): Uncertain significance. Review status: criteria provided, single submitter (1 of 4 stars). 2 submissions from 2 submitters: Uncertain significance (1). 1 of the submissions does not count toward it. Last evaluated 2022-09-16.

Conditions:
ADCY3-related disorder. Also called: ADCY3-related condition.

gnomAD v4.1: 54 of 1,614,134 alleles (0.0033%); highest among the groups gnomAD compares: African/African-American, 0.0027%; no homozygotes.

Submissions (2):

Blueprint Genetics
Classification: Uncertain significance. Last evaluated: 2022-09-16. Review status: criteria provided, single submitter. Criteria: ACMG Guidelines, 2015. Collection method: clinical testing. Allele origin: germline.

PreventionGenetics, part of Exact Sciences
Classification: Uncertain significance for ADCY3-related condition. Last evaluated: 2024-05-15. Review status: no assertion criteria provided. Collection method: clinical testing. Allele origin: germline. Not counted in ClinVar's aggregate classification.
Comment: The ADCY3 c.2333C>T variant is predicted to result in the amino acid substitution p.Thr778Met. To our knowledge, this variant has not been reported in the literature. This variant is reported in 0.036% of alleles in individuals of European (Finnish) descent in gnomAD. At this time, the clinical significance of this variant is uncertain due to the absence of conclusive functional and genetic evidence.